The following is an entry in ClinVar:

ClinVar aggregate classification (germline): Likely pathogenic. Review status: criteria provided, multiple submitters, no conflicts (2 of 4 stars). 2 submissions from 2 submitters: Likely pathogenic (2). Last evaluated 2025-08-24.

Conditions:
GLUT1 deficiency syndrome 1, autosomal recessive. Identifiers: MedGen C3149117.

Submissions (2):

Labcorp Genetics (formerly Invitae), Labcorp
Classification: Likely pathogenic for GLUT1 deficiency syndrome 1, autosomal recessive. Last evaluated: 2025-08-24. Review status: criteria provided, single submitter. Criteria: Invitae Variant Classification Sherloc (09022015). Collection method: clinical testing. Allele origin: germline.
Comment: This sequence change replaces leucine, which is neutral and non-polar, with phenylalanine, which is neutral and non-polar, at codon 215 of the SLC2A1 protein (p.Leu215Phe). This variant is not present in population databases (gnomAD no frequency). This missense change has been observed in individuals with early onset absence epilepsy and paroxysmal exertional dyskinesia (PMID: 23106342; internal data). It has also been observed to segregate with disease in related individuals. ClinVar contains an entry for this variant (Variation ID: 663633). Invitae Evidence Modeling of protein sequence and biophysical properties (such as structural, functional, and spatial information, amino acid conservation, physicochemical variation, residue mobility, and thermodynamic stability) has been performed for this missense variant. However, the output from this modeling did not meet the statistical confidence thresholds required to predict the impact of this variant on SLC2A1 protein function. Experimental studies have shown that this missense change affects SLC2A1 function (PMID: 30588498). In summary, the currently available evidence indicates that the variant is pathogenic, but additional data are needed to prove that conclusively. Therefore, this variant has been classified as Likely Pathogenic.

GeneDx
Classification: Likely pathogenic. Last evaluated: 2025-07-04. Review status: criteria provided, single submitter. Criteria: GeneDx Variant Classification Process June 2021. Collection method: clinical testing. Allele origin: germline. Affected: yes.
Comment: Observed in multiple patients with epilepsy or dystonia without intellectual disability (PMID: 23106342, 30588498); Published functional studies demonstrate a damaging effect (functionally abnormal glucose uptake in Xenopus oocytes compared to wildtype) (PMID: 30588498); Not observed at significant frequency in large population cohorts (gnomAD); In silico analysis suggests that this missense variant does not alter protein structure/function; This variant is associated with the following publications: (PMID: 30588498, 23106342)

Literature cited by the submitters: PubMed 23106342 (cited by Labcorp Genetics (formerly Invitae), Labcorp); PubMed 30588498 (cited by Labcorp Genetics (formerly Invitae), Labcorp).

NM_006516.4(SLC2A1):c.643C>T (p.Leu215Phe)

Gene: SLC2A1 (solute carrier family 2 member 1; minus strand). Cytogenetic location: 1p34.2.
Variant type: single nucleotide variant.
Coding change: c.643C>T on transcript NM_006516.4 (MANE Select); coding-DNA position 643, C replaced by T.
Protein change: p.Leu215Phe; replaces leucine 215 with phenylalanine.
Molecular consequence: missense variant.
Genome position (GRCh38, 1-based): chr1:42,929,909, G>A on the plus strand (C>T on the coding strand, the complement: SLC2A1 is on the minus strand). VCF-style: chr1-42929909-G-A. GRCh37 (hg19) VCF-style: chr1-43395580-G-A.
Other names: short protein forms L215F.
Identifiers: ClinVar variation 663633 (VCV000663633.8), dbSNP rs1570592813, ClinGen allele CA339958526.
Genomic context (GRCh38, chr1:42,929,909, plus strand): 5'-AGGAGGGCAGGGCCATGCCCGTACCACTCTTGGCCCGGTTCTCCTCGTTGCGGTTGATGA[G>A]CAGGAAGCGGGGACTCTCGGGGCAGAAGGGCAGCACGATGCACTGCAGCAGGGCCGGGAT-3'
Protein context (NP_006507.2, residues 205-225): PFCPESPRFL[Leu215Phe]INRNEENRAK